The following is an entry in ClinVar:

NM_000540.3(RYR1):c.7123G>A (p.Gly2375Arg)

Gene: RYR1 (ryanodine receptor 1; plus strand). Cytogenetic location: 19q13.2.
Variant type: single nucleotide variant.
Coding change: c.7123G>A on transcript NM_000540.3 (MANE Select); coding-DNA position 7123, G replaced by A.
Protein change: p.Gly2375Arg; replaces glycine 2375 with arginine.
Molecular consequence: missense variant.
Genome position (GRCh38, 1-based): chr19:38,499,730, G>A. VCF-style: chr19-38499730-G-A. GRCh37 (hg19) VCF-style: chr19-38990370-G-A.
Other names: NM_000540.2(RYR1):c.7123G>A; p.Gly2375Arg; c.7123G>A, p.Gly2375Arg (NM_001042723.2); short protein forms G2375R.
Identifiers: ClinVar variation 590582 (VCV000590582.6), dbSNP rs1568501059, ClinGen allele CA405668242.

ClinVar aggregate classification (germline): Likely pathogenic. Review status: reviewed by expert panel (3 of 4 stars). 2 submissions from 2 submitters: Likely pathogenic (1). 1 of the submissions does not count toward it. Last evaluated 2025-08-01.

Conditions:
Malignant hyperthermia, susceptibility to, 1 (MHS1). Also called: Anesthesia related hyperthermia; Malignant hyperpyrexia; Fulminating hyperpyrexia; Pharmacogenic myopathy; RYR1-Related Malignant Hyperthermia Susceptibility; Malignant hyperthermia suceptibility 1. Identifiers: Orphanet 423, MedGen C2930980, MONDO:0007783, OMIM 145600.

Submissions (2):

ClinGen Malignant Hyperthermia Susceptibility Variant Curation Expert Panel, ClinGen
Classification: Likely pathogenic for Malignant hyperthermia, susceptibility to, 1. Last evaluated: 2025-08-01. Review status: reviewed by expert panel. Criteria: RYR1-MHS Interpretation Guidelines V2. Collection method: curation. Allele origin: germline. Inheritance: Autosomal dominant inheritance.
Comment: This pathogenicity assessment is relevant only for malignant hyperthermia susceptibility (MHS) inherited in an autosomal dominant pattern. Variants in RYR1 can also cause other myopathies inherited in an autosomal dominant pattern or in an autosomal recessive pattern. Some of these disorders may predispose individuals to malignant hyperthermia. RYR1 variants may also contribute to a malignant hyperthermia reaction in combination with other genetic and non-genetic factors and the clinician needs to consider such factors in making management decisions. This sequence variant predicts a substitution of glycine with arginine at codon 2375 of the RYR1 protein, p.(Gly2375Arg).This variant was not present in a large population database (gnomAD) at the time this variant was interpreted. This variant has been reported in an individual with a personal or family history of an MH episode and a positive in vitro contracture test (IVCT) or caffeine halothane contracture test (CHCT) result (if the proband was unavailable for testing, a positive diagnostic test result in a mutation-positive relative was counted), PS4_Supporting (PMID: 30236257). No functional studies were identified for this variant. Another variant that has been assessed as pathogenic occurs at this codon, p.Gly2375Ala, PM5 (PMID: 12434264). This variant resides in a region of RYR1 considered to be a hotspot for pathogenic variants that contribute to MHS, use PM1_Supporting to avoid overweighting with PM5 (PMID: 21118704). A REVEL score >0.85 (.9) supports a pathogenic status for this variant, PP3_Moderate. This variant has been classified as Likely Pathogenic. Criteria implemented: PS4_Supporting, PM1_Supporting, PM5, PP3_Moderate.

PreventionGenetics, part of Exact Sciences
Classification: Likely pathogenic. Last evaluated: 2021-10-19. Review status: criteria provided, single submitter. Criteria: ACMG Guidelines, 2015. Collection method: clinical testing. Allele origin: germline. Not counted in ClinVar's aggregate classification.